The following is an entry in ClinVar:

ClinVar aggregate classification (germline): Uncertain significance (1 of 4 stars; one submission).

Conditions:
Short-rib thoracic dysplasia 6 with or without polydactyly (SRTD6). Also called: Majewski Syndrome; SHORT RIB-POLYDACTYLY SYNDROME, TYPE IIA; SHORT-RIB THORACIC DYSPLASIA 6 WITH POLYDACTYLY; SHORT-RIB THORACIC DYSPLASIA 6 WITHOUT POLYDACTYLY; POLYDACTYLY WITH NEONATAL CHONDRODYSTROPHY, TYPE II. Identifiers: MedGen C0024507, MONDO:0009894, OMIM 263520.

Submission:

Labcorp Genetics (formerly Invitae), Labcorp
Classification: Uncertain significance for Short-rib thoracic dysplasia 6 with or without polydactyly. Last evaluated: 2026-02-01. Review status: criteria provided, single submitter. Criteria: Invitae Variant Classification Sherloc (09022015). Collection method: clinical testing. Allele origin: germline.
Comment: This sequence change replaces glutamic acid, which is acidic and polar, with lysine, which is basic and polar, at codon 1124 of the NEK1 protein (p.Glu1124Lys). This variant is not present in population databases (gnomAD no frequency). This variant has not been reported in the literature in individuals affected with NEK1-related conditions. Invitae Evidence Modeling of protein sequence and biophysical properties (such as structural, functional, and spatial information, amino acid conservation, physicochemical variation, residue mobility, and thermodynamic stability) has been performed for this missense variant. However, the output from this modeling did not meet the statistical confidence thresholds required to predict the impact of this variant on NEK1 protein function. In summary, the available evidence is currently insufficient to determine the role of this variant in disease. Therefore, it has been classified as a Variant of Uncertain Significance.

NM_001199397.3(NEK1):c.3454G>A (p.Glu1152Lys)

Gene: NEK1 (NIMA related kinase 1; minus strand). Cytogenetic location: 4q33.
Variant type: single nucleotide variant.
Coding change: c.3454G>A on transcript NM_001199397.3 (MANE Select); coding-DNA position 3454, G replaced by A.
Protein change: p.Glu1152Lys; replaces glutamic acid 1152 with lysine.
Molecular consequence: missense variant. On other transcripts: non-coding transcript variant (1).
Genome position (GRCh38, 1-based): chr4:169,401,781, C>T on the plus strand (G>A on the coding strand, the complement: NEK1 is on the minus strand). VCF-style: chr4-169401781-C-T. GRCh37 (hg19) VCF-style: chr4-170322932-C-T.
Other names: c.2749G>A, p.Glu917Lys (NM_001440624.1); c.2617G>A, p.Glu873Lys (NM_001440625.1); c.3370G>A, p.Glu1124Lys (NM_012224.4, NM_001374419.1); c.3322G>A, p.Glu1108Lys (NM_001199398.3); c.3163G>A, p.Glu1055Lys (NM_001199399.3); c.3238G>A, p.Glu1080Lys (NM_001199400.3); c.3454G>A, p.Glu1152Lys (NM_001374418.1); c.3319G>A, p.Glu1107Lys (NM_001374420.1); and 5 more; short protein forms E1021K, E1055K, E1108K, E873K, E1080K, E1107K, E1152K, E991K.
Identifiers: ClinVar variation 4745389 (VCV004745389.1).